The following is an entry in ClinVar:

ClinVar aggregate classification (germline): Uncertain significance (1 of 4 stars; one submission).

gnomAD v4.1: 19 of 1,613,682 alleles (0.0012%); highest among the groups gnomAD compares: Non-Finnish European, 0.0015%; no homozygotes.

Submission:

Ambry Genetics
Classification: Uncertain significance. Last evaluated: 2025-09-12. Review status: criteria provided, single submitter. Criteria: Ambry Variant Classification Scheme 2023. Collection method: clinical testing. Allele origin: germline.
Comment: The p.S499R variant (also known as c.1497T>G), located in coding exon 15 of the SLMAP gene, results from a T to G substitution at nucleotide position 1497. The serine at codon 499 is replaced by arginine, an amino acid with dissimilar properties. This amino acid position is conserved. In addition, this alteration is predicted to be tolerated by in silico analysis. Based on the available evidence, the clinical significance of this variant remains unclear.

NM_001377540.1(SLMAP):c.1599T>G (p.Ser533Arg)

Gene: SLMAP (sarcolemma associated protein; plus strand). Cytogenetic location: 3p14.3.
Variant type: single nucleotide variant.
Coding change: c.1599T>G on transcript NM_001377540.1 (MANE Select); coding-DNA position 1599, T replaced by G.
Protein change: p.Ser533Arg; replaces serine 533 with arginine.
Molecular consequence: missense variant. On other transcripts: intron variant (12).
Genome position (GRCh38, 1-based): chr3:57,907,981, T>G. VCF-style: chr3-57907981-T-G. GRCh37 (hg19) VCF-style: chr3-57893708-T-G.
Other names: c.53-1095T>G (NM_001377926.1, NM_001311179.2, NM_001377928.1 and 1 more transcripts); c.53-4400T>G (NM_001304423.3); c.1548T>G, p.Ser516Arg (NM_001304420.3, NM_001377541.1, NM_001377542.1); c.1434T>G, p.Ser478Arg (NM_001304421.2, NM_001377557.1, NM_001377559.1); c.150T>G, p.Ser50Arg (NM_001304422.3, NM_001311178.2); c.1599T>G, p.Ser533Arg (NM_001377538.1, NM_001377539.1); c.1536T>G, p.Ser512Arg (NM_001377545.1); c.1497T>G, p.Ser499Arg (NM_001377549.1, NM_007159.5); and 7 more; short protein forms S533R, S495R, S512R, S478R, S499R, S50R, S516R.
Identifiers: ClinVar variation 4169935 (VCV004169935.1).